The following is an entry in ClinVar:

NM_177438.3(DICER1):c.4886C>T (p.Ser1629Leu)

Gene: DICER1 (dicer 1, ribonuclease III; minus strand). Cytogenetic location: 14q32.13.
Variant type: single nucleotide variant.
Coding change: c.4886C>T on transcript NM_177438.3 (MANE Select); coding-DNA position 4886, C replaced by T.
Protein change: p.Ser1629Leu; replaces serine 1629 with leucine.
Molecular consequence: missense variant.
Genome position (GRCh38, 1-based): chr14:95,096,034, G>A on the plus strand (C>T on the coding strand, the complement: DICER1 is on the minus strand). VCF-style: chr14-95096034-G-A. GRCh37 (hg19) VCF-style: chr14-95562371-G-A.
Other names: c.4886C>T (NM_177438.2); c.4886C>T, p.Ser1629Leu (NM_001195573.1, NM_001271282.3, NM_001291628.2 and 1 more transcripts); short protein forms S1629L.
Identifiers: ClinVar variation 1420247 (VCV001420247.8), dbSNP rs1167159136, ClinGen allele CA390866480.

ClinVar aggregate classification (germline): Uncertain significance. Review status: criteria provided, multiple submitters, no conflicts (2 of 4 stars). 2 submissions from 2 submitters: Uncertain significance (2). Last evaluated 2024-01-11.

Conditions:
DICER1-related tumor predisposition. Also called: DICER1-related pleuropulmonary blastoma cancer predisposition syndrome; DICER1 syndrome. Identifiers: Orphanet 284343, MedGen C3839822, MONDO:0100216.
Hereditary cancer-predisposing syndrome. Also called: Hereditary neoplastic syndrome; Tumor predisposition; Hereditary Cancer Syndrome; Neoplastic Syndromes, Hereditary. Identifiers: Orphanet 140162, MedGen C0027672, MeSH D009386, MONDO:0015356.

Allele frequency attached by ClinVar (database versions not stated): gnomAD exomes below 0.00001 and 0.00001.
gnomAD v4.1: 11 of 1,614,152 alleles (0.00068%); highest among the groups gnomAD compares: African/African-American, 0.0013%; no homozygotes.

Submissions (2):

Ambry Genetics
Classification: Uncertain significance for Hereditary cancer-predisposing syndrome. Last evaluated: 2024-01-11. Review status: criteria provided, single submitter. Criteria: Ambry Variant Classification Scheme 2023. Collection method: clinical testing. Allele origin: germline.
Comment: The p.S1629L variant (also known as c.4886C>T), located in coding exon 22 of the DICER1 gene, results from a C to T substitution at nucleotide position 4886. The serine at codon 1629 is replaced by leucine, an amino acid with dissimilar properties. This amino acid position is poorly conserved in available vertebrate species. In addition, this alteration is predicted to be tolerated by in silico analysis. Since supporting evidence is limited at this time, the clinical significance of this alteration remains unclear.

Labcorp Genetics (formerly Invitae), Labcorp
Classification: Uncertain significance for DICER1-related tumor predisposition. Last evaluated: 2023-11-16. Review status: criteria provided, single submitter. Criteria: Invitae Variant Classification Sherloc (09022015). Collection method: clinical testing. Allele origin: germline.
Comment: This sequence change replaces serine, which is neutral and polar, with leucine, which is neutral and non-polar, at codon 1629 of the DICER1 protein (p.Ser1629Leu). This variant is present in population databases (no rsID available, gnomAD 0.0009%). This variant has not been reported in the literature in individuals affected with DICER1-related conditions. ClinVar contains an entry for this variant (Variation ID: 1420247). Algorithms developed to predict the effect of missense changes on protein structure and function output the following: SIFT: "Not Available"; PolyPhen-2: "Benign"; Align-GVGD: "Not Available". The leucine amino acid residue is found in multiple mammalian species, which suggests that this missense change does not adversely affect protein function. In summary, the available evidence is currently insufficient to determine the role of this variant in disease. Therefore, it has been classified as a Variant of Uncertain Significance.